The following is an entry in ClinVar:

ClinVar aggregate classification (germline): Pathogenic/Likely pathogenic. Review status: criteria provided, multiple submitters, no conflicts (2 of 4 stars). 3 submissions from 3 submitters: Pathogenic (1); Likely pathogenic (2). Last evaluated 2024-02-09.

Conditions:
Long QT syndrome (LQTS). Identifiers: MedGen C0023976, MeSH D008133, MONDO:0002442. Disease mechanism: loss of function. Inheritance: Various modes of inheritance.

Submissions (3):

GeneDx
Classification: Likely pathogenic. Last evaluated: 2024-02-09. Review status: criteria provided, single submitter. Criteria: GeneDx Variant Classification Process June 2021. Collection method: clinical testing. Allele origin: germline. Affected: yes.
Comment: Identified in the published literature in one individual with LQTS; however detailed clinical information was not provided (PMID: 29622001); Not observed at significant frequency in large population cohorts (gnomAD); Frameshift variant predicted to result in protein truncation or nonsense mediated decay in a gene for which loss-of-function is a known mechanism of disease; This variant is associated with the following publications: (PMID: Fernandez2021[preprint], 34546463, 29622001)

Mayo Clinic Laboratories, Mayo Clinic
Classification: Likely pathogenic. Last evaluated: 2020-10-14. Review status: criteria provided, single submitter. Criteria: ACMG Guidelines, 2015. Collection method: clinical testing. Allele origin: germline. Observed: 1 variant allele.
Comment: PVS1, PM2_Supporting

Labcorp Genetics (formerly Invitae), Labcorp
Classification: Pathogenic for Long QT syndrome. Last evaluated: 2020-02-12. Review status: criteria provided, single submitter. Criteria: Invitae Variant Classification Sherloc (09022015). Collection method: clinical testing. Allele origin: germline.
Comment: This sequence change creates a premature translational stop signal (p.Thr74Argfs*35) in the KCNH2 gene. It is expected to result in an absent or disrupted protein product. This variant is not present in population databases (ExAC no frequency). This variant has not been reported in the literature in individuals with KCNH2-related conditions. Loss-of-function variants in KCNH2 are known to be pathogenic (PMID: 10973849, 19862833). For these reasons, this variant has been classified as Pathogenic.

Literature cited by the submitters: PubMed 10973849 (cited by Labcorp Genetics (formerly Invitae), Labcorp); PubMed 19862833 (cited by Labcorp Genetics (formerly Invitae), Labcorp).

NM_000238.4(KCNH2):c.221_242del (p.Thr74fs)

Gene: KCNH2 (potassium voltage-gated channel subfamily H member 2; minus strand). Cytogenetic location: 7q36.1.
Variant type: Deletion.
Coding change: c.221_242del on transcript NM_000238.4 (MANE Select); coding-DNA positions 221 to 242, 22 bases deleted (CGCAGCGCCGCGCTGCCGCGCA).
Protein change: p.Thr74fs; shifts the reading frame from threonine 74.
Molecular consequence: frameshift variant.
Genome position (GRCh38, 1-based): chr7:150,974,776-150,974,797, TGCGCGGCAGCGCGGCGCTGCG deleted on the plus strand (CGCAGCGCCGCGCTGCCGCGCA on the coding strand, the reverse complement: KCNH2 is on the minus strand); deleting any 22 consecutive bases within chr7:150,974,776-150,974,805 gives the same sequence; the c. name uses the placement nearest the transcript's 3' end. VCF-style (leftmost placement, unchanged base first): chr7-150974775-CTGCGCGGCAGCGCGGCGCTGCG-C. GRCh37 (hg19) VCF-style: chr7-150671863-CTGCGCGGCAGCGCGGCGCTGCG-C.
Other names: c.213_234del22, p.Thr74Argfs (NM_000238.3, NM_172056.3); c.36_57del22, p.Thr15Argfs (NM_001406755.1); short protein forms T74fs.
Identifiers: ClinVar variation 1070208 (VCV001070208.17), dbSNP rs1389503709, ClinGen allele CA835213821.